The following is an entry in ClinVar:

NM_001278116.2(L1CAM):c.396C>T (p.Ala132=)

Gene: L1CAM (L1 cell adhesion molecule; minus strand). Cytogenetic location: Xq28.
Variant type: single nucleotide variant.
Coding change: c.396C>T on transcript NM_001278116.2 (MANE Select); coding-DNA position 396, C replaced by T.
Protein change: p.Ala132=; no amino-acid change (alanine 132 retained).
Molecular consequence: synonymous variant.
Genome position (GRCh38, 1-based): chrX:153,872,156, G>A on the plus strand (C>T on the coding strand, the complement: L1CAM is on the minus strand). VCF-style: chrX-153872156-G-A. GRCh37 (hg19) VCF-style: chrX-153137611-G-A.
Other names: c.396C>T, p.Ala132= (NM_000425.5, NM_024003.3); c.381C>T, p.Ala127= (NM_001143963.2).
Identifiers: ClinVar variation 197139 (VCV000197139.44), dbSNP rs144708625, ClinGen allele CA202713.

ClinVar aggregate classification (germline): Benign/Likely benign. Review status: criteria provided, multiple submitters, no conflicts (2 of 4 stars). 7 submissions from 7 submitters: Benign (3); Likely benign (4). Last evaluated 2026-01-28.

Conditions:
Inborn genetic diseases. Identifiers: MedGen C0950123, MeSH D030342.
Spastic paraplegia. Identifiers: MedGen C0037772, HP:0001258.

Allele frequency attached by ClinVar (database versions not stated): gnomAD 0.00131; 1000 Genomes Project 0.00159; TOPMed 0.00161; 1000 Genomes Project 30x 0.00166; ESP Exome Variant Server 0.00180.
gnomAD v4.1: 505 of 1,203,587 alleles (0.042%); highest among the groups gnomAD compares: African/African-American, 0.42%; no homozygotes.

Submissions (7):

Labcorp Genetics (formerly Invitae), Labcorp
Classification: Benign for Spastic paraplegia. Last evaluated: 2026-01-28. Review status: criteria provided, single submitter. Criteria: Invitae Variant Classification Sherloc (09022015). Collection method: clinical testing. Allele origin: germline.

Athena Diagnostics
Classification: Benign. Last evaluated: 2025-01-02. Review status: criteria provided, single submitter. Criteria: Athena Diagnostics Criteria. Collection method: clinical testing. Allele origin: unknown.
Comment: The frequency of this variant in the general population is higher than would generally be expected for pathogenic variants in this gene.

Blueprint Genetics
Classification: Likely benign. Last evaluated: 2024-11-27. Review status: criteria provided, single submitter. Criteria: ACMG Guidelines, 2015. Collection method: clinical testing. Allele origin: germline.

CeGaT Center for Human Genetics Tuebingen
Classification: Likely benign. Last evaluated: 2024-01-01. Review status: criteria provided, single submitter. Criteria: CeGaT Center For Human Genetics Tuebingen Variant Classification Criteria Version 2. Collection method: clinical testing. Allele origin: germline. Affected: yes. Observed: 1 variant allele.
Comment: L1CAM: BP4, BP7, BS2

GeneDx
Classification: Likely benign. Last evaluated: 2018-05-14. Review status: criteria provided, single submitter. Criteria: GeneDx Variant Classification (06012015). Collection method: clinical testing. Allele origin: germline. Affected: yes.
Comment: This variant is considered likely benign or benign based on one or more of the following criteria: it is a conservative change, it occurs at a poorly conserved position in the protein, it is predicted to be benign by multiple in silico algorithms, and/or has population frequency not consistent with disease.

Ambry Genetics
Classification: Likely benign for Inborn genetic diseases. Last evaluated: 2014-11-24. Review status: criteria provided, single submitter. Criteria: Ambry Variant Classification Scheme 2023. Collection method: clinical testing. Allele origin: germline.

Eurofins Ntd Llc (ga)
Classification: Benign. Last evaluated: 2014-06-29. Review status: criteria provided, single submitter. Criteria: EGL Classification Definitions 2015. Collection method: clinical testing. Allele origin: germline. Observed: 1 variant allele, 1 hemizygote.

Literature cited by the submitters: PubMed 31854063 (cited by Athena Diagnostics).